The following is an entry in ClinVar:

NM_001127178.3(PIGG):c.394G>A (p.Asp132Asn)

Gene: PIGG (phosphatidylinositol glycan anchor biosynthesis class G (EMM blood group); plus strand). Cytogenetic location: 4p16.3.
Variant type: single nucleotide variant.
Coding change: c.394G>A on transcript NM_001127178.3 (MANE Select); coding-DNA position 394, G replaced by A.
Protein change: p.Asp132Asn; replaces aspartic acid 132 with asparagine.
Molecular consequence: missense variant. On other transcripts: 5 prime UTR variant (4), non-coding transcript variant (10), intron variant (1).
Genome position (GRCh38, 1-based): chr4:505,751, G>A. VCF-style: chr4-505751-G-A. GRCh37 (hg19) VCF-style: chr4-499540-G-A.
Other names: c.127G>A, p.Asp43Asn (NM_001289051.2, NM_001289053.2, NM_001289057.2 and 2 more transcripts); c.28G>A, p.Asp10Asn (NM_001289055.2); c.-494G>A (NM_001345988.2); c.394G>A, p.Asp132Asn (NM_001345989.2, NM_017733.5); c.-1232G>A (NM_001345990.2); c.-1094G>A (NM_001345991.2); c.-819G>A (NM_001345994.2); c.361-3078G>A (NM_001289052.2); and 1 more; short protein forms D10N, D132N, D43N.
Identifiers: ClinVar variation 1001632 (VCV001001632.7), dbSNP rs144294537, ClinGen allele CA2792994.

ClinVar aggregate classification (germline): Uncertain significance. Review status: criteria provided, multiple submitters, no conflicts (2 of 4 stars). 3 submissions from 3 submitters: Uncertain significance (3). Last evaluated 2025-05-02.

Conditions:
Intellectual disability, autosomal recessive 53 (NEDHSCA). Also called: Mental retardation, autosomal recessive 53; NEURODEVELOPMENTAL DISORDER WITH OR WITHOUT HYPOTONIA, SEIZURES, AND CEREBELLAR ATROPHY; GLYCOSYLPHOSPHATIDYLINOSITOL BIOSYNTHESIS DEFECT 13. Identifiers: Orphanet 488635, MedGen C4310794, MONDO:0014832, OMIM 616917.
Inborn genetic diseases. Identifiers: MedGen C0950123, MeSH D030342.

Allele frequency attached by ClinVar (database versions not stated): ExAC 0.00003; gnomAD exomes 0.00003; gnomAD 0.00005 and 0.00006; TOPMed 0.00006; ESP Exome Variant Server 0.00008.
gnomAD v4.1: 22 of 1,613,128 alleles (0.0014%); highest among the groups gnomAD compares: African/African-American, 0.013%; no homozygotes.

Submissions (3):

Ambry Genetics
Classification: Uncertain significance for Inborn genetic diseases. Last evaluated: 2025-05-02. Review status: criteria provided, single submitter. Criteria: Ambry Variant Classification Scheme 2023. Collection method: clinical testing. Allele origin: germline.

Blueprint Genetics
Classification: Uncertain significance. Last evaluated: 2022-11-28. Review status: criteria provided, single submitter. Criteria: ACMG Guidelines, 2015. Collection method: clinical testing. Allele origin: germline.

Labcorp Genetics (formerly Invitae), Labcorp
Classification: Uncertain significance for Intellectual disability, autosomal recessive 53. Last evaluated: 2022-10-05. Review status: criteria provided, single submitter. Criteria: Invitae Variant Classification Sherloc (09022015). Collection method: clinical testing. Allele origin: germline.
Comment: This sequence change replaces aspartic acid, which is acidic and polar, with asparagine, which is neutral and polar, at codon 132 of the PIGG protein (p.Asp132Asn). This variant is present in population databases (rs144294537, gnomAD 0.01%). This variant has not been reported in the literature in individuals affected with PIGG-related conditions. ClinVar contains an entry for this variant (Variation ID: 1001632). Advanced modeling of protein sequence and biophysical properties (such as structural, functional, and spatial information, amino acid conservation, physicochemical variation, residue mobility, and thermodynamic stability) performed at Invitae indicates that this missense variant is expected to disrupt PIGG protein function. In summary, the available evidence is currently insufficient to determine the role of this variant in disease. Therefore, it has been classified as a Variant of Uncertain Significance.